The following is an entry in ClinVar:

NM_000492.4(CFTR):c.4182T>C (p.Asp1394=)

Gene: CFTR (CF transmembrane conductance regulator; plus strand). Cytogenetic location: 7q31.2.
Variant type: single nucleotide variant.
Coding change: c.4182T>C on transcript NM_000492.4 (MANE Select); coding-DNA position 4182, T replaced by C.
Protein change: p.Asp1394=; no amino-acid change (aspartic acid 1394 retained).
Molecular consequence: synonymous variant.
Genome position (GRCh38, 1-based): chr7:117,665,504, T>C. VCF-style: chr7-117665504-T-C. GRCh37 (hg19) VCF-style: chr7-117305558-T-C.
Identifiers: ClinVar variation 618015 (VCV000618015.19), dbSNP rs763937782, ClinGen allele CA4451657.
Genomic context (GRCh38, chr7:117,665,504, plus strand): 5'-TTCTTTCTTTTCTAGAACATACCAAATAATTAGAAGAACTCTAAAACAAGCATTTGCTGA[T>C]TGCACAGTAATTCTCTGTGAACACAGGATAGAAGCAATGCTGGAATGCCAACAATTTTTG-3'
Protein context (NP_000483.3, residues 1384-1404): IRRTLKQAFA[Asp1394=]CTVILCEHRI

ClinVar aggregate classification (germline): Likely benign. Review status: criteria provided, multiple submitters, no conflicts (2 of 4 stars). 3 submissions from 3 submitters: Likely benign (3). Last evaluated 2025-05-11.

Conditions:
Cystic fibrosis (CF). Also called: MUCOVISCIDOSIS. Identifiers: Orphanet 586, MedGen C0010674, MONDO:0009061, OMIM 219700. Disease mechanism: loss of function.

Allele frequency attached by ClinVar (database versions not stated): ExAC 0.00002; TOPMed below 0.00001; gnomAD exomes 0.00002; gnomAD 0.00003.
gnomAD v4.1: 33 of 1,613,432 alleles (0.002%); highest among the groups gnomAD compares: Non-Finnish European, 0.0028%; no homozygotes.

Submissions (3):

Labcorp Genetics (formerly Invitae), Labcorp
Classification: Likely benign for Cystic fibrosis. Last evaluated: 2025-05-11. Review status: criteria provided, single submitter. Criteria: Invitae Variant Classification Sherloc (09022015). Collection method: clinical testing. Allele origin: germline.

Ambry Genetics
Classification: Likely benign for Cystic fibrosis. Last evaluated: 2019-01-09. Review status: criteria provided, single submitter. Criteria: Ambry Variant Classification Scheme 2023. Collection method: clinical testing. Allele origin: germline.

ARUP Laboratories, Molecular Genetics and Genomics, ARUP Laboratories
Classification: Likely benign. Last evaluated: 2018-03-15. Review status: criteria provided, single submitter. Criteria: ARUP Molecular Germline Variant Investigation Process. Collection method: clinical testing. Allele origin: germline.
Comment: The CFTR c.4182T>C; p.Asp1394Asp variant (rs763937782), to our knowledge, is not reported in the medical literature. This variant is found in the general population with an overall allele frequency of 0.002% (6/276286 alleles) in the Genome Aggregation Database. This is a synonymous change, the nucleotide is weakly conserved, and computational algorithms (Alamut v2.11) do not predict this variant to affect splicing. Based on available information, this variant is considered to be likely benign.